The following is an entry in ClinVar:

ClinVar aggregate classification (germline): Uncertain significance (1 of 4 stars; one submission).

Submission:

CeGaT Center for Human Genetics Tuebingen
Classification: Uncertain significance. Last evaluated: 2022-08-01. Review status: criteria provided, single submitter. Criteria: CeGaT Center For Human Genetics Tuebingen Variant Classification Criteria Version 2. Collection method: clinical testing. Allele origin: germline. Affected: yes. Observed: 1 variant allele.
Comment: CLTC: PM2, PP3

NM_004859.4(CLTC):c.369G>A (p.Thr123=)

Gene: CLTC (clathrin heavy chain; plus strand). Cytogenetic location: 17q23.1.
Variant type: single nucleotide variant.
Coding change: c.369G>A on transcript NM_004859.4 (MANE Select); coding-DNA position 369, G replaced by A.
Protein change: p.Thr123=; no amino-acid change (threonine 123 retained).
Molecular consequence: synonymous variant.
Genome position (GRCh38, 1-based): chr17:59,647,516, G>A. VCF-style: chr17-59647516-G-A. GRCh37 (hg19) VCF-style: chr17-57724877-G-A.
Other names: c.381G>A, p.Thr127= (NM_001288653.2).
Identifiers: ClinVar variation 1711442 (VCV001711442.30), dbSNP rs2509361394, ClinGen allele CA501330822.